The following is an entry in ClinVar:

NM_020843.4(SCAPER):c.1365A>G (p.Glu455=)

Gene: SCAPER (S-phase cyclin A associated protein in the ER; minus strand). Cytogenetic location: 15q24.3.
Variant type: single nucleotide variant.
Coding change: c.1365A>G on transcript NM_020843.4 (MANE Select); coding-DNA position 1365, A replaced by G.
Protein change: p.Glu455=; no amino-acid change (glutamic acid 455 retained).
Molecular consequence: synonymous variant. On other transcripts: non-coding transcript variant (1).
Genome position (GRCh38, 1-based): chr15:76,766,972, T>C on the plus strand (A>G on the coding strand, the complement: SCAPER is on the minus strand). VCF-style: chr15-76766972-T-C. GRCh37 (hg19) VCF-style: chr15-77059313-T-C.
Other names: c.627A>G, p.Glu209= (NM_001145923.2); c.1383A>G, p.Glu461= (NM_001353009.2); c.963A>G, p.Glu321= (NM_001353010.2, NM_001353012.2); c.981A>G, p.Glu327= (NM_001353011.2); c.1383A>G (NM_001353009.1).
Identifiers: ClinVar variation 3026208 (VCV003026208.23), dbSNP rs1300217772, ClinGen allele CA491460652.

ClinVar aggregate classification (germline): Likely benign. Review status: criteria provided, multiple submitters, no conflicts (2 of 4 stars). 2 submissions from 2 submitters: Likely benign (2). Last evaluated 2024-12-29.

Conditions:
SCAPER-related disorder. Also called: SCAPER-related condition.

Allele frequency attached by ClinVar (database versions not stated): gnomAD 0.00001; gnomAD exomes 0.00001; TOPMed 0.00001.
gnomAD v4.1: 23 of 1,609,420 alleles (0.0014%); highest among the groups gnomAD compares: Non-Finnish European, 0.0019%; no homozygotes.

Submissions (2):

PreventionGenetics, part of Exact Sciences
Classification: Likely benign for SCAPER-related condition. Last evaluated: 2024-12-29. Review status: criteria provided, single submitter. Criteria: ACMG Guidelines, 2015. Collection method: clinical testing. Allele origin: germline.
Comment: This variant is classified as likely benign based on ACMG/AMP sequence variant interpretation guidelines (Richards et al. 2015 PMID: 25741868, with internal and published modifications).

CeGaT Center for Human Genetics Tuebingen
Classification: Likely benign. Last evaluated: 2024-02-01. Review status: criteria provided, single submitter. Criteria: CeGaT Center For Human Genetics Tuebingen Variant Classification Criteria Version 2. Collection method: clinical testing. Allele origin: germline. Affected: yes. Observed: 1 variant allele.
Comment: SCAPER: BP4, BP7